The following is an entry in ClinVar:

ClinVar aggregate classification (germline): Uncertain significance (1 of 4 stars; one submission).

Allele frequency attached by ClinVar (database versions not stated): gnomAD exomes below 0.00001; gnomAD 0.00001; TOPMed 0.00002.
gnomAD v4.1: 3 of 1,610,572 alleles (0.00019%); highest among the groups gnomAD compares: African/African-American, 0.004%; no homozygotes.

Submission:

Ambry Genetics
Classification: Uncertain significance. Last evaluated: 2025-04-14. Review status: criteria provided, single submitter. Criteria: Ambry Variant Classification Scheme 2023. Collection method: clinical testing. Allele origin: germline.
Comment: The p.Q141H variant (also known as c.423G>T), located in coding exon 4 of the RASA2 gene, results from a G to T substitution at nucleotide position 423. The glutamine at codon 141 is replaced by histidine, an amino acid with highly similar properties. This amino acid position is conserved. In addition, the in silico prediction for this alteration is inconclusive. Since supporting evidence is limited at this time, the clinical significance of this alteration remains unclear.

NM_006506.5(RASA2):c.423G>T (p.Gln141His)

Gene: RASA2 (RAS p21 protein activator 2; plus strand). Cytogenetic location: 3q23.
Variant type: single nucleotide variant.
Coding change: c.423G>T on transcript NM_006506.5 (MANE Select); coding-DNA position 423, G replaced by T.
Protein change: p.Gln141His; replaces glutamine 141 with histidine.
Molecular consequence: missense variant.
Genome position (GRCh38, 1-based): chr3:141,529,775, G>T. VCF-style: chr3-141529775-G-T. GRCh37 (hg19) VCF-style: chr3-141248617-G-T.
Other names: c.423G>T, p.Gln141His (NM_001303245.3, NM_001303246.3); short protein forms Q141H.
Identifiers: ClinVar variation 1738986 (VCV001738986.3), dbSNP rs1199211004, ClinGen allele CA354772149.